The following is an entry in ClinVar:

NM_000548.5(TSC2):c.4493+5G>A

Gene: TSC2 (TSC complex subunit 2; plus strand). Cytogenetic location: 16p13.3.
Variant type: single nucleotide variant.
Coding change: c.4493+5G>A on transcript NM_000548.5 (MANE Select); 5 bases into the intron after coding-DNA position 4493, G replaced by A.
Molecular consequence: intron variant.
Genome position (GRCh38, 1-based): chr16:2,084,720, G>A. VCF-style: chr16-2084720-G-A. GRCh37 (hg19) VCF-style: chr16-2134721-G-A.
Other names: c.4424+5G>A (NM_001114382.3); c.4364+5G>A (NM_021055.3, NM_001370405.1); c.4295+5G>A (NM_001363528.2); c.4361+5G>A (NM_001370404.1); c.4292+5G>A (NM_001077183.3); c.4184+5G>A (NM_001318827.2); c.3761+5G>A (NM_001318831.2); c.4148+5G>A (NM_001318829.2); and 1 more.
Identifiers: ClinVar variation 1355678 (VCV001355678.6), dbSNP rs752851868, ClinGen allele CA2573151664.

ClinVar aggregate classification (germline): Uncertain significance (1 of 4 stars; one submission).

Conditions:
Tuberous sclerosis 2 (TSC2). Identifiers: Orphanet 805, MedGen C1860707, MONDO:0013199, OMIM 613254.

Submission:

Labcorp Genetics (formerly Invitae), Labcorp
Classification: Uncertain significance for Tuberous sclerosis 2. Last evaluated: 2024-04-04. Review status: criteria provided, single submitter. Criteria: Invitae Variant Classification Sherloc (09022015). Collection method: clinical testing. Allele origin: germline.
Comment: This sequence change falls in intron 34 of the TSC2 gene. It does not directly change the encoded amino acid sequence of the TSC2 protein. It affects a nucleotide within the consensus splice site. This variant is not present in population databases (gnomAD no frequency). This variant has not been reported in the literature in individuals affected with TSC2-related conditions. ClinVar contains an entry for this variant (Variation ID: 1355678). Variants that disrupt the consensus splice site are a relatively common cause of aberrant splicing (PMID: 17576681, 9536098). Studies have shown that this variant is associated with inconclusive levels of altered splicing (Invitae). In summary, the available evidence is currently insufficient to determine the role of this variant in disease. Therefore, it has been classified as a Variant of Uncertain Significance.

Literature cited by the submitters: PubMed 17576681; PubMed 9536098.